The following is an entry in ClinVar:

NM_006393.3(NEBL):c.187G>A (p.Asp63Asn)

Gene: NEBL (nebulette; minus strand). Cytogenetic location: 10p12.31.
Variant type: single nucleotide variant.
Coding change: c.187G>A on transcript NM_006393.3 (MANE Select); coding-DNA position 187, G replaced by A.
Protein change: p.Asp63Asn; replaces aspartic acid 63 with asparagine.
Molecular consequence: missense variant. On other transcripts: intron variant (9).
Genome position (GRCh38, 1-based): chr10:20,889,916, C>T on the plus strand (G>A on the coding strand, the complement: NEBL is on the minus strand). VCF-style: chr10-20889916-C-T. GRCh37 (hg19) VCF-style: chr10-21178845-C-T.
Other names: c.249+71756G>A (NM_001377326.1, NM_001377327.1, NM_001377328.1); c.357+71756G>A (NM_213569.2, NM_001173484.2, NM_001377322.1); c.300+71756G>A (NM_001377324.1); c.291+71756G>A (NM_001377325.1); c.309+71756G>A (NM_001377323.1); short protein forms D63N.
Identifiers: ClinVar variation 1781864 (VCV001781864.2), dbSNP rs1307043925, ClinGen allele CA376096765.

ClinVar aggregate classification (germline): Uncertain significance (1 of 4 stars; one submission).

Allele frequency attached by ClinVar (database versions not stated): gnomAD 0.00001.
gnomAD v4.1: 5 of 1,610,034 alleles (0.00031%); highest among the groups gnomAD compares: Non-Finnish European, 0.00034%; no homozygotes.

Submission:

Ambry Genetics
Classification: Uncertain significance. Last evaluated: 2021-10-16. Review status: criteria provided, single submitter. Criteria: Ambry Variant Classification Scheme 2023. Collection method: clinical testing. Allele origin: germline.
Comment: The p.D63N variant (also known as c.187G>A), located in coding exon 3 of the NEBL gene, results from a G to A substitution at nucleotide position 187. The aspartic acid at codon 63 is replaced by asparagine, an amino acid with highly similar properties. This amino acid position is conserved. In addition, this alteration is predicted to be tolerated by in silico analysis. Since supporting evidence is limited at this time, the clinical significance of this alteration remains unclear.